The following is an entry in ClinVar:

ClinVar aggregate classification (germline): Uncertain significance (1 of 4 stars; one submission).

Submission:

Dasa
Classification: Uncertain significance. Last evaluated: 2024-09-17. Review status: criteria provided, single submitter. Criteria: DASA Assertion Criteria. Collection method: clinical testing. Allele origin: germline.
Comment: NM_020719.3(PRR12):c.1835C>G (p.Ala612Gly) is a missense variant that results in the substitution of alanine with glycine. This variant is absent from population databases. Computational prediction algorithms are consistent with a benign effect. The currently available literature and clinical evidence are not sufficient to establish a definitive association between this variant and the reported condition. Therefore, this variant is classified as a variant of uncertain significance.

NM_020719.3(PRR12):c.1835C>G (p.Ala612Gly)

Gene: PRR12 (proline rich 12; plus strand). Cytogenetic location: 19q13.33.
Variant type: single nucleotide variant.
Coding change: c.1835C>G on transcript NM_020719.3 (MANE Select); coding-DNA position 1835, C replaced by G.
Protein change: p.Ala612Gly; replaces alanine 612 with glycine.
Molecular consequence: missense variant.
Genome position (GRCh38, 1-based): chr19:49,596,170, C>G. VCF-style: chr19-49596170-C-G. GRCh37 (hg19) VCF-style: chr19-50099427-C-G.
Other names: short protein forms A612G.
Identifiers: ClinVar variation 5021077 (VCV005021077.1).